The following is an entry in ClinVar:

NM_006308.3(HSPB3):c.127G>A (p.Val43Met)

Gene: HSPB3 (heat shock protein family B (small) member 3; plus strand). Cytogenetic location: 5q11.2.
Variant type: single nucleotide variant.
Coding change: c.127G>A on transcript NM_006308.3 (MANE Select); coding-DNA position 127, G replaced by A.
Protein change: p.Val43Met; replaces valine 43 with methionine.
Molecular consequence: missense variant.
Genome position (GRCh38, 1-based): chr5:54,455,916, G>A. VCF-style: chr5-54455916-G-A. GRCh37 (hg19) VCF-style: chr5-53751746-G-A.
Other names: short protein forms V43M.
Identifiers: ClinVar variation 2193273 (VCV002193273.4), dbSNP rs372203645, ClinGen allele CA3264612.

ClinVar aggregate classification (germline): Uncertain significance (1 of 4 stars; one submission).

Conditions:
Neuronopathy, distal hereditary motor, type 2C. Also called: NEUROPATHY, DISTAL HEREDITARY MOTOR, AUTOSOMAL DOMINANT 4; NEURONOPATHY, DISTAL HEREDITARY MOTOR, HARDING TYPE IIC; NEUROPATHY, DISTAL HEREDITARY MOTOR, HARDING TYPE IIC; HMN IIC. Identifiers: Orphanet 139525, MedGen C3150619, MONDO:0013243, OMIM 613376.

Allele frequency attached by ClinVar (database versions not stated): gnomAD 0.00002; TOPMed 0.00004; ExAC 0.00007; ESP Exome Variant Server 0.00008; 1000 Genomes Project 30x 0.00016; 1000 Genomes Project 0.00020.

Submission:

Labcorp Genetics (formerly Invitae), Labcorp
Classification: Uncertain significance for Neuronopathy, distal hereditary motor, type 2C. Last evaluated: 2022-06-29. Review status: criteria provided, single submitter. Criteria: Invitae Variant Classification Sherloc (09022015). Collection method: clinical testing. Allele origin: germline.
Comment: This sequence change replaces valine, which is neutral and non-polar, with methionine, which is neutral and non-polar, at codon 43 of the HSPB3 protein (p.Val43Met). In summary, the available evidence is currently insufficient to determine the role of this variant in disease. Therefore, it has been classified as a Variant of Uncertain Significance. Algorithms developed to predict the effect of missense changes on protein structure and function (SIFT, PolyPhen-2, Align-GVGD) all suggest that this variant is likely to be tolerated. This variant has not been reported in the literature in individuals affected with HSPB3-related conditions. This variant is present in population databases (rs372203645, gnomAD 0.01%).